The following is an entry in ClinVar:

ClinVar aggregate classification (germline): Likely benign. Review status: criteria provided, multiple submitters, no conflicts (2 of 4 stars). 6 submissions from 6 submitters: Likely benign (6). Last evaluated 2025-12-22.

Conditions:
Familial hypercholesterolemia. Also called: Familial hypercholesterolemias; Familial hypercholesterolaemia. Identifiers: MedGen C0020445, MONDO:0005439.
Cardiovascular phenotype. Identifiers: MedGen CN230736.
Familial hypobetalipoproteinemia 1. Also called: APOB-Related Familial Hypobetalipoproteinemia; Hypobetalipoproteinemia, normotriglyceridemic; Acanthocytosis with hypobetalipoproteinemia. Identifiers: MedGen C4551990, MONDO:0014252, OMIM 615558.
Hypercholesterolemia, autosomal dominant, type B (FHCL2). Also called: APOB-Related Familial Hypercholesterolemia, Autosomal Dominant; APOLIPOPROTEIN B-100, FAMILIAL DEFECTIVE; APOLIPOPROTEIN B-100, FAMILIAL LIGAND-DEFECTIVE; HYPERCHOLESTEROLEMIA, FAMILIAL, DUE TO LIGAND-DEFECTIVE APOLIPOPROTEIN B; Familial hypercholesterolemia 2; Familial Hypercholesterolemia Type B. Identifiers: MedGen C1704417, MONDO:0007751, OMIM 144010.

Allele frequency attached by ClinVar (database versions not stated): gnomAD 0.00003 and 0.00004; ExAC 0.00006; gnomAD exomes 0.00006 and 0.00010; TOPMed 0.00007.
gnomAD v4.1: 90 of 1,612,254 alleles (0.0056%); highest among the groups gnomAD compares: Admixed American, 0.03%; no homozygotes.

Submissions (6):

Labcorp Genetics (formerly Invitae), Labcorp
Classification: Likely benign for Familial hypobetalipoproteinemia 1; Hypercholesterolemia, autosomal dominant, type B. Last evaluated: 2025-12-22. Review status: criteria provided, single submitter. Criteria: Invitae Variant Classification Sherloc (09022015). Collection method: clinical testing. Allele origin: germline.

GENinCode PLC
Classification: Likely benign for Familial hypercholesterolemia. Last evaluated: 2025-01-09. Review status: criteria provided, single submitter. Criteria: ACMG Guidelines, 2015. Collection method: clinical testing. Allele origin: germline.
Comment: This is a synonymous (silent) variant that is not predicted to impact splicing and occurs at a nucleotide which is not highly conserved. This variant has been classified as Likely Benign (BP4, BP7).

Blueprint Genetics
Classification: Likely benign. Last evaluated: 2024-11-14. Review status: criteria provided, single submitter. Criteria: ACMG Guidelines, 2015. Collection method: clinical testing. Allele origin: germline.

ARUP Laboratories, Molecular Genetics and Genomics, ARUP Laboratories
Classification: Likely benign. Last evaluated: 2021-11-24. Review status: criteria provided, single submitter. Criteria: ARUP Molecular Germline Variant Investigation Process 2021. Collection method: clinical testing. Allele origin: germline.

Quest Diagnostics Nichols Institute San Juan Capistrano
Classification: Likely benign. Last evaluated: 2021-03-30. Review status: criteria provided, single submitter. Criteria: Quest Diagnostics criteria. Collection method: clinical testing. Allele origin: unknown.

Ambry Genetics
Classification: Likely benign for Cardiovascular phenotype. Last evaluated: 2017-12-15. Review status: criteria provided, single submitter. Criteria: Ambry Variant Classification Scheme 2023. Collection method: clinical testing. Allele origin: germline.

NM_000384.3(APOB):c.4251G>A (p.Thr1417=)

Gene: APOB (apolipoprotein B; minus strand). Cytogenetic location: 2p24.1.
Variant type: single nucleotide variant.
Coding change: c.4251G>A on transcript NM_000384.3 (MANE Select); coding-DNA position 4251, G replaced by A.
Protein change: p.Thr1417=; no amino-acid change (threonine 1417 retained).
Molecular consequence: synonymous variant.
Genome position (GRCh38, 1-based): chr2:21,012,617, C>T on the plus strand (G>A on the coding strand, the complement: APOB is on the minus strand). VCF-style: chr2-21012617-C-T. GRCh37 (hg19) VCF-style: chr2-21235489-C-T.
Identifiers: ClinVar variation 697877 (VCV000697877.25), dbSNP rs72653082, ClinGen allele CA060764.